The following is an entry in ClinVar:

ClinVar aggregate classification (germline): Uncertain significance (1 of 4 stars; one submission).

Submission:

Women's Health and Genetics/Laboratory Corporation of America, LabCorp
Classification: Uncertain significance. Last evaluated: 2026-03-27. Review status: criteria provided, single submitter. Criteria: LabCorp Variant Classification Summary - May 2015. Collection method: clinical testing. Allele origin: germline.
Comment: Variant summary: ATP7B c.3691G>A (p.Ala1231Thr) results in a non-conservative amino acid change in the encoded protein sequence. Algorithms developed to predict the effect of missense changes on protein structure and function all suggest that this variant is likely to be disruptive. The variant was absent in 249572 control chromosomes (gnomAD). The available data on variant occurrences in the general population are insufficient to allow any conclusion about variant significance. c.3691G>A has been observed in individuals affected with Wilson Disease (Nagral_2022, Mishra_2026). These reports do not provide unequivocal conclusions about association of the variant with Wilson Disease. To our knowledge, no experimental evidence demonstrating an impact on protein function has been reported. The following publications have been ascertained in the context of this evaluation (PMID: 41256908, 36112267). No submitters have cited clinical-significance assessments for this variant to ClinVar. Based on the evidence outlined above, the variant was classified as uncertain significance.

Literature cited by the submitters: PubMed 36112267; PubMed 41256908.

NM_000053.4(ATP7B):c.3691G>A (p.Ala1231Thr)

Gene: ATP7B (ATPase copper transporting beta; minus strand). Cytogenetic location: 13q14.3.
Variant type: single nucleotide variant.
Coding change: c.3691G>A on transcript NM_000053.4 (MANE Select); coding-DNA position 3691, G replaced by A.
Protein change: p.Ala1231Thr; replaces alanine 1231 with threonine.
Molecular consequence: missense variant.
Genome position (GRCh38, 1-based): chr13:51,939,059, C>T on the plus strand (G>A on the coding strand, the complement: ATP7B is on the minus strand). VCF-style: chr13-51939059-C-T. GRCh37 (hg19) VCF-style: chr13-52513195-C-T.
Other names: c.3547G>A, p.Ala1183Thr (NM_001406520.1, NM_001406521.1, NM_001406522.1); c.3508G>A, p.Ala1170Thr (NM_001406523.1); c.3514G>A, p.Ala1172Thr (NM_001406524.1); c.3496G>A, p.Ala1166Thr (NM_001406525.1); c.3691G>A, p.Ala1231Thr (NM_001406526.1, NM_001406511.1, NM_001406512.1); c.3457G>A, p.Ala1153Thr (NM_001406527.1, NM_001406528.1, NM_001330578.2); c.3451G>A, p.Ala1151Thr (NM_001406530.1); c.3439G>A, p.Ala1147Thr (NM_001406531.1, NM_001406532.1, NM_001330579.2); and 20 more; short protein forms A1004T, A1015T, A1024T, A1037T, A1067T, A1069T, A1082T, A1088T.
Identifiers: ClinVar variation 4847648 (VCV004847648.1).
Genomic context (GRCh38, chr13:51,939,059, plus strand): 5'-CTCTAACTGCTTTTATGAGCTTTACACAGTTTGCAACATTAAAGGGCTGTACCTGGGTGG[C>T]AATAGCTCTGGCTGTCTTCCGGTTGTCCCCCGTGATCAGAACCACGTCCACACCCATGCT-3'
Protein context (NP_000044.2, residues 1221-1241): GDNRKTARAI[Ala1231Thr]TQVGINKVFA